The following is an entry in ClinVar:

ClinVar aggregate classification (germline): Likely benign. Review status: criteria provided, multiple submitters, no conflicts (2 of 4 stars). 2 submissions from 2 submitters: Likely benign (2). Last evaluated 2025-11-17.

Submissions (2):

Women's Health and Genetics/Laboratory Corporation of America, LabCorp
Classification: Likely benign. Last evaluated: 2025-11-17. Review status: criteria provided, single submitter. Criteria: LabCorp Variant Classification Summary - May 2015. Collection method: clinical testing. Allele origin: germline.
Comment: Variant summary: KDM1A c.1734+17_1734+20delGTTT alters non-conserved nucleotides located at a position not widely known to affect splicing. Consensus agreement among computation tools predict no significant impact on normal splicing. However, these predictions have yet to be confirmed by functional studies. The variant allele was found at a frequency of 1.2e-05 in 247610 control chromosomes. The available data on variant occurrences in the general population are insufficient to allow any conclusion about variant significance. To our knowledge, no occurrence of c.1734+17_1734+20delGTTT in individuals affected with KDM1A-related conditions and no experimental evidence demonstrating its impact on protein function have been reported. ClinVar contains an entry for this variant (Variation ID: 1971562). Based on the evidence outlined above, the variant was classified as likely benign.

Labcorp Genetics (formerly Invitae), Labcorp
Classification: Likely benign. Last evaluated: 2023-07-17. Review status: criteria provided, single submitter. Criteria: Invitae Variant Classification Sherloc (09022015). Collection method: clinical testing. Allele origin: germline.

NM_001009999.3(KDM1A):c.1734+17_1734+20del

Gene: KDM1A (lysine demethylase 1A; plus strand). Cytogenetic location: 1p36.12.
Variant type: Deletion.
Coding change: c.1734+17_1734+20del on transcript NM_001009999.3 (MANE Select); bases 17 to 20 of the intron after coding-DNA position 1734, 4 bases deleted (GTTT; older notation c.1734+17_1734+20delGTTT).
Molecular consequence: intron variant.
Genome position (GRCh38, 1-based): chr1:23,073,420-23,073,423, GTTT deleted; deleting any 4 consecutive bases within chr1:23,073,418-23,073,423 gives the same sequence; the c. name uses the placement nearest the transcript's 3' end. VCF-style (leftmost placement, unchanged base first): chr1-23073417-ATTGT-A. GRCh37 (hg19) VCF-style: chr1-23399910-ATTGT-A.
Other names: c.1680+17_1680+20del (NM_001363654.2); c.1662+17_1662+20del (NM_015013.4); c.1734+17_1734+20delGTTT (NM_001009999.3).
Identifiers: ClinVar variation 1971562 (VCV001971562.6), dbSNP rs781072555, ClinGen allele CA679804.